The following is an entry in ClinVar:

ClinVar aggregate classification (germline): Uncertain significance (1 of 4 stars; one submission).

Allele frequency attached by ClinVar (database versions not stated): ExAC 0.00001; gnomAD 0.00001; gnomAD exomes 0.00003; TOPMed 0.00003.
gnomAD v4.1: 45 of 1,613,564 alleles (0.0028%); highest among the groups gnomAD compares: Non-Finnish European, 0.0037%; no homozygotes.

Submission:

GeneDx
Classification: Uncertain significance. Last evaluated: 2022-07-11. Review status: criteria provided, single submitter. Criteria: GeneDx Variant Classification Process June 2021. Collection method: clinical testing. Allele origin: germline. Affected: yes.
Comment: Not observed at significant frequency in large population cohorts (gnomAD); In silico analysis supports that this missense variant does not alter protein structure/function; Has not been previously published as pathogenic or benign to our knowledge

NM_025137.4(SPG11):c.3980T>C (p.Ile1327Thr)

Gene: SPG11 (SPG11 vesicle trafficking associated, spatacsin; minus strand). Cytogenetic location: 15q21.1.
Variant type: single nucleotide variant.
Coding change: c.3980T>C on transcript NM_025137.4 (MANE Select); coding-DNA position 3980, T replaced by C.
Protein change: p.Ile1327Thr; replaces isoleucine 1327 with threonine.
Molecular consequence: missense variant.
Genome position (GRCh38, 1-based): chr15:44,598,286, A>G on the plus strand (T>C on the coding strand, the complement: SPG11 is on the minus strand). VCF-style: chr15-44598286-A-G. GRCh37 (hg19) VCF-style: chr15-44890484-A-G.
Other names: c.3980T>C, p.Ile1327Thr (NM_001160227.2, NM_001411132.1); short protein forms I1327T.
Identifiers: ClinVar variation 1878930 (VCV001878930.1), dbSNP rs769665532, ClinGen allele CA7534802.